The following is an entry in ClinVar:

ClinVar aggregate classification (germline): Uncertain significance (1 of 4 stars; one submission).

Allele frequency attached by ClinVar (database versions not stated): gnomAD exomes 0.00002; ExAC 0.00004.
gnomAD v4.1: 8 of 1,557,842 alleles (0.00051%); highest among the groups gnomAD compares: Admixed American, 0.0039%; no homozygotes.

Submission:

Labcorp Genetics (formerly Invitae), Labcorp
Classification: Uncertain significance. Last evaluated: 2022-08-18. Review status: criteria provided, single submitter. Criteria: Invitae Variant Classification Sherloc (09022015). Collection method: clinical testing. Allele origin: germline.
Comment: This sequence change replaces serine, which is neutral and polar, with threonine, which is neutral and polar, at codon 192 of the TANGO2 protein (p.Ser192Thr). This variant is present in population databases (rs766982741, gnomAD 0.008%). This variant has not been reported in the literature in individuals affected with TANGO2-related conditions. ClinVar contains an entry for this variant (Variation ID: 1428125). Algorithms developed to predict the effect of missense changes on protein structure and function are either unavailable or do not agree on the potential impact of this missense change (SIFT: "Not Available"; PolyPhen-2: "Benign"; Align-GVGD: "Not Available"). In summary, the available evidence is currently insufficient to determine the role of this variant in disease. Therefore, it has been classified as a Variant of Uncertain Significance.

NM_152906.7(TANGO2):c.575G>C (p.Ser192Thr)

Gene: TANGO2 (transport and golgi organization 2 homolog; plus strand). Cytogenetic location: 22q11.21.
Variant type: single nucleotide variant.
Coding change: c.575G>C on transcript NM_152906.7 (MANE Select); coding-DNA position 575, G replaced by C.
Protein change: p.Ser192Thr; replaces serine 192 with threonine.
Molecular consequence: missense variant. On other transcripts: non-coding transcript variant (3), intron variant (4).
Genome position (GRCh38, 1-based): chr22:20,061,653, G>C. VCF-style: chr22-20061653-G-C. GRCh37 (hg19) VCF-style: chr22-20049176-G-C.
Other names: c.575G>C, p.Ser192Thr (NM_001283106.3, NM_001283116.3, NM_001283148.3 and 2 more transcripts); c.698G>C, p.Ser233Thr (NM_001283129.3, NM_001322141.2, NM_001322143.2 and 1 more transcripts); c.389G>C, p.Ser130Thr (NM_001283179.3, NM_001283186.3, NM_001322163.2 and 3 more transcripts); c.281G>C, p.Ser94Thr (NM_001283235.3, NM_001322150.2, NM_001322153.2 and 6 more transcripts); c.512G>C, p.Ser171Thr (NM_001322145.2, NM_001322147.2); c.473G>C, p.Ser158Thr (NM_001322146.2, NM_001322148.2, NM_001322160.2); c.381-1685G>C (NM_001283199.3); c.575-2889G>C (NM_001283215.3); and 2 more; short protein forms S158T, S233T, S94T, S130T, S171T, S192T.
Identifiers: ClinVar variation 1428125 (VCV001428125.3), dbSNP rs766982741, ClinGen allele CA10106484.